The following is an entry in ClinVar:

ClinVar aggregate classification (germline): Uncertain significance (1 of 4 stars; one submission).

Allele frequency attached by ClinVar (database versions not stated): TOPMed below 0.00001.

Submission:

Ambry Genetics
Classification: Uncertain significance. Last evaluated: 2022-02-23. Review status: criteria provided, single submitter. Criteria: Ambry Variant Classification Scheme 2023. Collection method: clinical testing. Allele origin: germline.
Comment: The p.A1490V variant (also known as c.4469C>T), located in coding exon 4 of the ALPK2 gene, results from a C to T substitution at nucleotide position 4469. The alanine at codon 1490 is replaced by valine, an amino acid with similar properties. This amino acid position is conserved. In addition, this alteration is predicted to be tolerated by in silico analysis. Since supporting evidence is limited at this time, the clinical significance of this alteration remains unclear.

NM_052947.4(ALPK2):c.4469C>T (p.Ala1490Val)

Genes: ALPK2 (alpha kinase 2; minus strand), LOC126862764 (BRD4-independent group 4 enhancer GRCh37_chr18:56202574-56203773; plus strand). Cytogenetic location: 18q21.31.
Variant type: single nucleotide variant.
Coding change: c.4469C>T on transcript NM_052947.4 (MANE Select); coding-DNA position 4469, C replaced by T.
Protein change: p.Ala1490Val; replaces alanine 1490 with valine.
Molecular consequence: missense variant.
Genome position (GRCh38, 1-based): chr18:58,535,718, G>A on the plus strand (C>T on the coding strand, the complement: ALPK2 is on the minus strand). VCF-style: chr18-58535718-G-A. GRCh37 (hg19) VCF-style: chr18-56202950-G-A.
Other names: short protein forms A1490V.
Identifiers: ClinVar variation 1740808 (VCV001740808.2), dbSNP rs1201686140, ClinGen allele CA402562290.